The following is an entry in ClinVar:

ClinVar aggregate classification (germline): Uncertain significance (1 of 4 stars; one submission).

gnomAD v4.1: 2 of 1,613,046 alleles (0.00012%); highest among the groups gnomAD compares: Non-Finnish European, 0.00017%; no homozygotes.

Submission:

Labcorp Genetics (formerly Invitae), Labcorp
Classification: Uncertain significance. Last evaluated: 2023-05-19. Review status: criteria provided, single submitter. Criteria: Invitae Variant Classification Sherloc (09022015). Collection method: clinical testing. Allele origin: germline.
Comment: In summary, the available evidence is currently insufficient to determine the role of this variant in disease. Therefore, it has been classified as a Variant of Uncertain Significance. An algorithm developed to predict the effect of missense changes on protein structure and function (PolyPhen-2) suggests that this variant is likely to be tolerated. This variant has not been reported in the literature in individuals affected with NAF1-related conditions. This variant is not present in population databases (gnomAD no frequency). This sequence change replaces histidine, which is basic and polar, with arginine, which is basic and polar, at codon 358 of the NAF1 protein (p.His358Arg).

NM_138386.3(NAF1):c.1073A>G (p.His358Arg)

Gene: NAF1 (nuclear assembly factor 1 ribonucleoprotein; minus strand). Cytogenetic location: 4q32.2.
Variant type: single nucleotide variant.
Coding change: c.1073A>G on transcript NM_138386.3 (MANE Select); coding-DNA position 1073, A replaced by G.
Protein change: p.His358Arg; replaces histidine 358 with arginine.
Molecular consequence: missense variant. On other transcripts: intron variant (1).
Genome position (GRCh38, 1-based): chr4:163,129,309, T>C on the plus strand (A>G on the coding strand, the complement: NAF1 is on the minus strand). VCF-style: chr4-163129309-T-C. GRCh37 (hg19) VCF-style: chr4-164050461-T-C.
Other names: c.1034-2194A>G (NM_001128931.2); short protein forms H358R.
Identifiers: ClinVar variation 2795105 (VCV002795105.3), dbSNP rs1252654433, ClinGen allele CA358663395.